The following is an entry in ClinVar:

NM_001394062.1(MACF1):c.17569A>G (p.Lys5857Glu)

Gene: MACF1 (microtubule actin crosslinking factor 1; plus strand). Cytogenetic location: 1p34.3.
Variant type: single nucleotide variant.
Coding change: c.17569A>G on transcript NM_001394062.1 (MANE Select); coding-DNA position 17569, A replaced by G.
Protein change: p.Lys5857Glu; replaces lysine 5857 with glutamic acid.
Molecular consequence: missense variant.
Genome position (GRCh38, 1-based): chr1:39,434,417, A>G. VCF-style: chr1-39434417-A-G. GRCh37 (hg19) VCF-style: chr1-39900089-A-G.
Other names: c.5638A>G, p.Lys1880Glu (NM_001397473.1); c.11383A>G, p.Lys3795Glu (NM_012090.5); short protein forms K5857E, K3795E, K1880E.
Identifiers: ClinVar variation 4749722 (VCV004749722.1).

ClinVar aggregate classification (germline): Uncertain significance (1 of 4 stars; one submission).

gnomAD v4.1: 35 of 1,562,760 alleles (0.0022%); highest among the groups gnomAD compares: Non-Finnish European, 0.003%; no homozygotes.

Submission:

Labcorp Genetics (formerly Invitae), Labcorp
Classification: Uncertain significance. Last evaluated: 2025-07-08. Review status: criteria provided, single submitter. Criteria: Invitae Variant Classification Sherloc (09022015). Collection method: clinical testing. Allele origin: germline.
Comment: This sequence change replaces lysine, which is basic and polar, with glutamic acid, which is acidic and polar, at codon 3795 of the MACF1 protein (p.Lys3795Glu). This variant is present in population databases (rs779122379, gnomAD 0.005%). This variant has not been reported in the literature in individuals affected with MACF1-related conditions. An algorithm developed to predict the effect of missense changes on protein structure and function (PolyPhen-2) suggests that this variant is likely to be disruptive. In summary, the available evidence is currently insufficient to determine the role of this variant in disease. Therefore, it has been classified as a Variant of Uncertain Significance.